The following is an entry in ClinVar:

NM_024757.5(EHMT1):c.808A>T (p.Thr270Ser)

Gene: EHMT1 (euchromatic histone lysine methyltransferase 1; plus strand). Cytogenetic location: 9q34.3.
Variant type: single nucleotide variant.
Coding change: c.808A>T on transcript NM_024757.5 (MANE Select); coding-DNA position 808, A replaced by T.
Protein change: p.Thr270Ser; replaces threonine 270 with serine.
Molecular consequence: missense variant.
Genome position (GRCh38, 1-based): chr9:137,728,514, A>T. VCF-style: chr9-137728514-A-T. GRCh37 (hg19) VCF-style: chr9-140622966-A-T.
Other names: c.808A>T, p.Thr270Ser (NM_001145527.2, NM_001354263.2, NM_001354611.2); c.715A>T, p.Thr239Ser (NM_001354259.2, NM_001354612.2); short protein forms T239S, T270S.
Identifiers: ClinVar variation 2633738 (VCV002633738.1), dbSNP rs760466657, ClinGen allele CA375772824.

ClinVar aggregate classification (germline): Uncertain significance (1 of 4 stars; one submission).

Conditions:
EHMT1-related disorder. Also called: EHMT1-related condition.

Submission:

PreventionGenetics, part of Exact Sciences
Classification: Uncertain significance for EHMT1-related condition. Last evaluated: 2023-03-09. Review status: criteria provided, single submitter. Criteria: ACMG Guidelines, 2015. Collection method: clinical testing. Allele origin: germline.
Comment: The EHMT1 c.808A>T variant is predicted to result in the amino acid substitution p.Thr270Ser. To our knowledge, this variant has not been reported in the literature or in a large population database, indicating this variant is rare. At this time, the clinical significance of this variant is uncertain due to the absence of conclusive functional and genetic evidence.